The following is an entry in ClinVar:

NM_003086.4(SNAPC4):c.2242G>A (p.Val748Met)

Gene: SNAPC4 (small nuclear RNA activating complex polypeptide 4; minus strand). Cytogenetic location: 9q34.3.
Variant type: single nucleotide variant.
Coding change: c.2242G>A on transcript NM_003086.4 (MANE Select); coding-DNA position 2242, G replaced by A.
Protein change: p.Val748Met; replaces valine 748 with methionine.
Molecular consequence: missense variant.
Genome position (GRCh38, 1-based): chr9:136,381,899, C>T on the plus strand (G>A on the coding strand, the complement: SNAPC4 is on the minus strand). VCF-style: chr9-136381899-C-T. GRCh37 (hg19) VCF-style: chr9-139276351-C-T.
Other names: c.2158G>A, p.Val720Met (NM_001394202.1, NM_001394203.1); c.2242G>A, p.Val748Met (NM_001394201.1); short protein forms V720M, V748M.
Identifiers: ClinVar variation 3341593 (VCV003341593.16).
Genomic context (GRCh38, chr9:136,381,899, plus strand): 5'-CGGCGGGTCTCTGGGAAGCCTGTGTGCAGGGCACGACAACGTCCCCTACCCAAGGGGTCA[C>T]AGCCAGCAGCAGCCTGCGGTTCAGGAGCCTCCGGTGCAGAGCGTGTCTCCAGCGCCGCTG-3'
Protein context (NP_003077.2, residues 738-758): RLLNRRLLLA[Val748Met]TPWVGDVVVP

ClinVar aggregate classification (germline): Likely benign (1 of 4 stars; one submission).

gnomAD v4.1: 5,409 of 1,612,978 alleles (0.34%); highest among the groups gnomAD compares: Non-Finnish European, 0.43%; 11 homozygotes.

Submission:

CeGaT Center for Human Genetics Tuebingen
Classification: Likely benign. Last evaluated: 2025-02-01. Review status: criteria provided, single submitter. Criteria: CeGaT Center For Human Genetics Tuebingen Variant Classification Criteria Version 2. Collection method: clinical testing. Allele origin: germline. Affected: yes. Observed: 3 variant alleles.
Comment: SNAPC4: BP4